The following is an entry in ClinVar:

ClinVar aggregate classification (germline): Uncertain significance (1 of 4 stars; one submission).

Conditions:
Niemann-Pick disease, type C2 (NPC2). Identifiers: Orphanet 646, MedGen C1843366, MONDO:0011873, OMIM 607625.

Allele frequency attached by ClinVar (database versions not stated): gnomAD exomes below 0.00001.
gnomAD v4.1: 1 of 1,613,296 alleles (0.000062%); highest among the groups gnomAD compares: Non-Finnish European, 0.000085%; no homozygotes.

Submission:

Labcorp Genetics (formerly Invitae), Labcorp
Classification: Uncertain significance for Niemann-Pick disease, type C2. Last evaluated: 2022-08-01. Review status: criteria provided, single submitter. Criteria: Invitae Variant Classification Sherloc (09022015). Collection method: clinical testing. Allele origin: germline.
Comment: This sequence change replaces alanine, which is neutral and non-polar, with threonine, which is neutral and polar, at codon 5 of the NPC2 protein (p.Ala5Thr). This variant is not present in population databases (gnomAD no frequency). This variant has not been reported in the literature in individuals affected with NPC2-related conditions. Algorithms developed to predict the effect of missense changes on protein structure and function output the following: SIFT: "Tolerated"; PolyPhen-2: "Benign"; Align-GVGD: "Class C0". The threonine amino acid residue is found in multiple mammalian species, which suggests that this missense change does not adversely affect protein function. In summary, the available evidence is currently insufficient to determine the role of this variant in disease. Therefore, it has been classified as a Variant of Uncertain Significance.

NM_006432.5(NPC2):c.13G>A (p.Ala5Thr)

Gene: NPC2 (NPC intracellular cholesterol transporter 2; minus strand). Cytogenetic location: 14q24.3.
Variant type: single nucleotide variant.
Coding change: c.13G>A on transcript NM_006432.5 (MANE Select); coding-DNA position 13, G replaced by A.
Protein change: p.Ala5Thr; replaces alanine 5 with threonine.
Molecular consequence: missense variant.
Genome position (GRCh38, 1-based): chr14:74,493,262, C>T on the plus strand (G>A on the coding strand, the complement: NPC2 is on the minus strand). VCF-style: chr14-74493262-C-T. GRCh37 (hg19) VCF-style: chr14-74959965-C-T.
Other names: c.13G>A, p.Ala5Thr (NM_001363688.1, NM_001375440.1); short protein forms A5T.
Identifiers: ClinVar variation 1979218 (VCV001979218.4), dbSNP rs2506115644, ClinGen allele CA390376956.